The following is an entry in ClinVar:

ClinVar aggregate classification (germline): Uncertain significance. Review status: criteria provided, multiple submitters, no conflicts (2 of 4 stars). 2 submissions from 2 submitters: Uncertain significance (2). Last evaluated 2026-04-05.

Conditions:
MYPN-related disorder. Also called: MYPN-related condition.
Dilated cardiomyopathy 1KK (CMD1KK). Identifiers: Orphanet 154, Orphanet 75249, MedGen C3714995, MONDO:0014100, OMIM 615248.

Allele frequency attached by ClinVar (database versions not stated): ExAC 0.00001; gnomAD 0.00002; gnomAD exomes 0.00002; TOPMed 0.00005.
gnomAD v4.1: 36 of 1,614,062 alleles (0.0022%); highest among the groups gnomAD compares: Non-Finnish European, 0.003%; no homozygotes.

Submissions (2):

PreventionGenetics, part of Exact Sciences
Classification: Uncertain significance for MYPN-related condition. Last evaluated: 2026-04-05. Review status: criteria provided, single submitter. Criteria: ACMG Guidelines, 2015. Collection method: clinical testing. Allele origin: germline.
Comment: The MYPN c.2516C>A variant is predicted to result in the amino acid substitution p.Ala839Asp. To our knowledge, this variant has not been reported in the literature. This variant is reported in 0.0070% of alleles in individuals of European (Non-Finnish) descent in gnomAD. At this time, the clinical significance of this variant is uncertain due to the absence of conclusive functional and genetic evidence.

Labcorp Genetics (formerly Invitae), Labcorp
Classification: Uncertain significance for Dilated cardiomyopathy 1KK. Last evaluated: 2025-11-01. Review status: criteria provided, single submitter. Criteria: Invitae Variant Classification Sherloc (09022015). Collection method: clinical testing. Allele origin: germline.
Comment: This sequence change replaces alanine, which is neutral and non-polar, with aspartic acid, which is acidic and polar, at codon 839 of the MYPN protein (p.Ala839Asp). This variant is present in population databases (rs757190838, gnomAD 0.006%). This variant has not been reported in the literature in individuals affected with MYPN-related conditions. ClinVar contains an entry for this variant (Variation ID: 946969). An algorithm developed to predict the effect of missense changes on protein structure and function (PolyPhen-2) suggests that this variant is likely to be tolerated. In summary, the available evidence is currently insufficient to determine the role of this variant in disease. Therefore, it has been classified as a Variant of Uncertain Significance.

NM_032578.4(MYPN):c.2516C>A (p.Ala839Asp)

Gene: MYPN (myopalladin; plus strand). Cytogenetic location: 10q21.3.
Variant type: single nucleotide variant.
Coding change: c.2516C>A on transcript NM_032578.4 (MANE Select); coding-DNA position 2516, C replaced by A.
Protein change: p.Ala839Asp; replaces alanine 839 with aspartic acid.
Molecular consequence: missense variant. On other transcripts: non-coding transcript variant (2).
Genome position (GRCh38, 1-based): chr10:68,174,608, C>A. VCF-style: chr10-68174608-C-A. GRCh37 (hg19) VCF-style: chr10-69934365-C-A.
Other names: c.2516C>A, p.Ala839Asp (NM_001256267.2); c.1634C>A, p.Ala545Asp (NM_001256268.2); short protein forms A839D, A545D.
Identifiers: ClinVar variation 946969 (VCV000946969.10), dbSNP rs757190838, ClinGen allele CA5522797.